The following is an entry in ClinVar:

NM_001854.4(COL11A1):c.1684-1G>C

Gene: COL11A1 (collagen type XI alpha 1 chain; minus strand). Cytogenetic location: 1p21.1.
Variant type: single nucleotide variant.
Coding change: c.1684-1G>C on transcript NM_001854.4 (MANE Select); the canonical splice acceptor site of the intron before coding-DNA position 1684, G replaced by C.
Molecular consequence: splice acceptor variant.
Genome position (GRCh38, 1-based): chr1:103,006,316, C>G on the plus strand (G>C on the coding strand, the complement: COL11A1 is on the minus strand). VCF-style: chr1-103006316-C-G. GRCh37 (hg19) VCF-style: chr1-103471872-C-G.
Other names: c.1567-1G>C (NM_001190709.2); c.1720-1G>C (NM_080629.3); c.1336-1G>C (NM_080630.4).
Identifiers: ClinVar variation 1029385 (VCV001029385.1), dbSNP rs1665610030, ClinGen allele CA341175248.

ClinVar aggregate classification (germline): Likely pathogenic (1 of 4 stars; one submission).

Conditions:
Stickler syndrome type 2 (STL2). Also called: COL11A1-Related Stickler Syndrome; STICKLER SYNDROME, BEADED VITREOUS TYPE; STICKLER SYNDROME, VITREOUS TYPE 2; STICKLER SYNDROME, TYPE II. Identifiers: Orphanet 828, Orphanet 90654, MedGen C1858084, MONDO:0011493, OMIM 604841.

Submission:

Baylor Genetics
Classification: Likely pathogenic for Stickler syndrome type 2. Last evaluated: 2019-10-03. Review status: criteria provided, single submitter. Criteria: ACMG Guidelines, 2015. Collection method: clinical testing. Allele origin: unknown. Affected: yes.
Comment: This variant was determined to be likely pathogenic according to ACMG Guidelines, 2015 [PMID:25741868].